The following is an entry in ClinVar:

ClinVar aggregate classification (germline): Uncertain significance (1 of 4 stars; one submission).

Conditions:
Dilated cardiomyopathy 1AA (CMD1AA). Also called: Cardiomyopathy, dilated, 1AA, with or without LVNC; CARDIOMYOPATHY, DILATED, 1AA, WITH OR WITHOUT LEFT VENTRICULAR NONCOMPACTION; CARDIOMYOPATHY, FAMILIAL HYPERTROPHIC, 23, WITH OR WITHOUT LEFT VENTRICULAR NONCOMPACTION. Identifiers: Orphanet 154, MedGen C2677338, MONDO:0012808, OMIM 612158.
Primary familial hypertrophic cardiomyopathy (HCM). Identifiers: Orphanet 99739, MedGen C0949658, MeSH D024741, MONDO:0024573. Inheritance: Various modes of inheritance.

Allele frequency attached by ClinVar (database versions not stated): gnomAD exomes below 0.00001.
gnomAD v4.1: 1 of 1,614,092 alleles (0.000062%); highest among the groups gnomAD compares: Non-Finnish European, 0.000085%; no homozygotes.

Submission:

Labcorp Genetics (formerly Invitae), Labcorp
Classification: Uncertain significance for Primary familial hypertrophic cardiomyopathy; Dilated cardiomyopathy 1AA. Last evaluated: 2024-08-05. Review status: criteria provided, single submitter. Criteria: Invitae Variant Classification Sherloc (09022015). Collection method: clinical testing. Allele origin: germline.
Comment: This sequence change replaces leucine, which is neutral and non-polar, with proline, which is neutral and non-polar, at codon 186 of the ACTN2 protein (p.Leu186Pro). This variant is not present in population databases (gnomAD no frequency). This variant has not been reported in the literature in individuals affected with ACTN2-related conditions. ClinVar contains an entry for this variant (Variation ID: 938613). Advanced modeling of protein sequence and biophysical properties (such as structural, functional, and spatial information, amino acid conservation, physicochemical variation, residue mobility, and thermodynamic stability) performed at Invitae indicates that this missense variant is expected to disrupt ACTN2 protein function with a positive predictive value of 80%. In summary, the available evidence is currently insufficient to determine the role of this variant in disease. Therefore, it has been classified as a Variant of Uncertain Significance.

NM_001103.4(ACTN2):c.557T>C (p.Leu186Pro)

Gene: ACTN2 (actinin alpha 2; plus strand). Cytogenetic location: 1q43.
Variant type: single nucleotide variant.
Coding change: c.557T>C on transcript NM_001103.4 (MANE Select); coding-DNA position 557, T replaced by C.
Protein change: p.Leu186Pro; replaces leucine 186 with proline.
Molecular consequence: missense variant. On other transcripts: 5 prime UTR variant (1).
Genome position (GRCh38, 1-based): chr1:236,727,698, T>C. VCF-style: chr1-236727698-T-C. GRCh37 (hg19) VCF-style: chr1-236890998-T-C.
Other names: c.557T>C, p.Leu186Pro (NM_001278343.2); c.-265T>C (NM_001278344.2); short protein forms L186P.
Identifiers: ClinVar variation 938613 (VCV000938613.10), dbSNP rs1658594390, ClinGen allele CA345375385.